The following is an entry in ClinVar:

ClinVar aggregate classification (germline): Likely pathogenic (1 of 4 stars; one submission).

Conditions:
Microcephaly-intellectual disability-sensorineural hearing loss-epilepsy-abnormal muscle tone syndrome (NEDHSB). Also called: NEURODEVELOPMENTAL DISORDER WITH HEARING LOSS, SEIZURES, AND BRAIN ABNORMALITIES. Identifiers: Orphanet 457351, MedGen C4225276, MONDO:0014698, OMIM 616577.

Submission:

Labcorp Genetics (formerly Invitae), Labcorp
Classification: Likely pathogenic for Microcephaly-intellectual disability-sensorineural hearing loss-epilepsy-abnormal muscle tone syndrome. Last evaluated: 2022-05-15. Review status: criteria provided, single submitter. Criteria: Invitae Variant Classification Sherloc (09022015). Collection method: clinical testing. Allele origin: germline.
Comment: This variant is a gross deletion of the genomic region encompassing exon(s) 14-15 of the SPATA5 gene. While this deletion is not anticipated to lead to nonsense mediated decay, it is expected to disrupt the C-terminus of the protein. This variant has not been reported in the literature in individuals affected with SPATA5-related conditions. This variant disrupts the p.Ala844 amino acid residue in SPATA5. Other variant(s) that disrupt this residue have been determined to be pathogenic (PMID: 26299366). This suggests that this residue is clinically significant, and that variants that disrupt this residue are likely to be disease-causing. In summary, the currently available evidence indicates that the variant is pathogenic, but additional data are needed to prove that conclusively. Therefore, this variant has been classified as Likely Pathogenic.

Literature cited by the submitters: PubMed 26299366.

NC_000004.11:g.(?_124011714)_(124177355_?)del

Gene: AFG2A (AFG2 AAA ATPase homolog A; plus strand). Cytogenetic location: 4q28.1.
Variant type: Deletion.
Identifiers: ClinVar variation 2427333 (VCV002427333.5).